The following is an entry in ClinVar:

ClinVar aggregate classification (germline): Pathogenic (1 of 4 stars; one submission).

Submission:

Labcorp Genetics (formerly Invitae), Labcorp
Classification: Pathogenic. Last evaluated: 2023-08-17. Review status: criteria provided, single submitter. Criteria: Invitae Variant Classification Sherloc (09022015). Collection method: clinical testing. Allele origin: germline.
Comment: This variant has not been reported in the literature in individuals affected with VLDLR-related conditions. This variant is not present in population databases (gnomAD no frequency). This sequence change creates a premature translational stop signal (p.Cys40*) in the VLDLR gene. It is expected to result in an absent or disrupted protein product. Loss-of-function variants in VLDLR are known to be pathogenic (PMID: 18043714, 18326629, 22532556). For these reasons, this variant has been classified as Pathogenic.

Literature cited by the submitters: PubMed 18043714; PubMed 18326629; PubMed 22532556.

NM_003383.5(VLDLR):c.120C>A (p.Cys40Ter)

Gene: VLDLR (very low density lipoprotein receptor; plus strand). Cytogenetic location: 9p24.2.
Variant type: single nucleotide variant.
Coding change: c.120C>A on transcript NM_003383.5 (MANE Select); coding-DNA position 120, C replaced by A.
Protein change: p.Cys40Ter; replaces cysteine 40 with a stop codon.
Molecular consequence: nonsense.
Genome position (GRCh38, 1-based): chr9:2,635,490, C>A. VCF-style: chr9-2635490-C-A. GRCh37 (hg19) VCF-style: chr9-2635490-C-A.
Other names: c.120C>A, p.Cys40Ter (NM_001018056.3, NM_001322225.2, NM_001322226.2); short protein forms C40*.
Identifiers: ClinVar variation 2753414 (VCV002753414.3), dbSNP rs1817561200, ClinGen allele CA372787624.